The following is an entry in ClinVar:

ClinVar aggregate classification (germline): Uncertain significance (1 of 4 stars; one submission).

Conditions:
Severe combined immunodeficiency due to DNA-PKcs deficiency. Also called: IMMUNODEFICIENCY 26 WITH NEUROLOGIC ABNORMALITIES; Immunodeficiency 26 with or without neurologic abnormalities. Identifiers: Orphanet 317425, MedGen C4014833, MONDO:0014423, OMIM 615966.

Allele frequency attached by ClinVar (database versions not stated): gnomAD exomes below 0.00001; gnomAD 0.00001; TOPMed 0.00001.
gnomAD v4.1: 2 of 1,613,758 alleles (0.00012%); highest among the groups gnomAD compares: Non-Finnish European, 0.00017%; no homozygotes.

Submission:

Labcorp Genetics (formerly Invitae), Labcorp
Classification: Uncertain significance for Severe combined immunodeficiency due to DNA-PKcs deficiency. Last evaluated: 2023-05-09. Review status: criteria provided, single submitter. Criteria: Invitae Variant Classification Sherloc (09022015). Collection method: clinical testing. Allele origin: germline.
Comment: This variant is present in population databases (no rsID available, gnomAD 0.0009%). This variant has not been reported in the literature in individuals affected with PRKDC-related conditions. ClinVar contains an entry for this variant (Variation ID: 1954129). Advanced modeling of protein sequence and biophysical properties (such as structural, functional, and spatial information, amino acid conservation, physicochemical variation, residue mobility, and thermodynamic stability) performed at Invitae indicates that this missense variant is expected to disrupt PRKDC protein function. This sequence change replaces aspartic acid, which is acidic and polar, with tyrosine, which is neutral and polar, at codon 2766 of the PRKDC protein (p.Asp2766Tyr). In summary, the available evidence is currently insufficient to determine the role of this variant in disease. Therefore, it has been classified as a Variant of Uncertain Significance.

NM_006904.7(PRKDC):c.8296G>T (p.Asp2766Tyr)

Gene: PRKDC (protein kinase, DNA-activated, catalytic subunit; minus strand). Cytogenetic location: 8q11.21.
Variant type: single nucleotide variant.
Coding change: c.8296G>T on transcript NM_006904.7 (MANE Select); coding-DNA position 8296, G replaced by T.
Protein change: p.Asp2766Tyr; replaces aspartic acid 2766 with tyrosine.
Molecular consequence: missense variant.
Genome position (GRCh38, 1-based): chr8:47,830,706, C>A on the plus strand (G>T on the coding strand, the complement: PRKDC is on the minus strand). VCF-style: chr8-47830706-C-A. GRCh37 (hg19) VCF-style: chr8-48743267-C-A.
Other names: c.8296G>T, p.Asp2766Tyr (NM_001081640.2); short protein forms D2766Y.
Identifiers: ClinVar variation 1954129 (VCV001954129.5), dbSNP rs970763407, ClinGen allele CA176153007.
Genomic context (GRCh38, chr8:47,830,706, plus strand): 5'-TGATCTGAATGTCAGGAAGGTCTCCGTGCCGGTAGCTTCTGTACAGAACGACCTGGGCAT[C>A]CTGCTTCATTTTTAACTCACTCTTGATTTCCTATAAGCACCAGAACCAAAGAAGAAGATG-3'
Protein context (NP_008835.5, residues 2756-2776): EIKSELKMKQ[Asp2766Tyr]AQVVLYRSYR